The following is an entry in ClinVar:

NM_004304.5(ALK):c.1371C>G (p.Phe457Leu)

Gene: ALK (ALK receptor tyrosine kinase; minus strand). Cytogenetic location: 2p23.2.
Variant type: single nucleotide variant.
Coding change: c.1371C>G on transcript NM_004304.5 (MANE Select); coding-DNA position 1371, C replaced by G.
Protein change: p.Phe457Leu; replaces phenylalanine 457 with leucine.
Molecular consequence: missense variant.
Genome position (GRCh38, 1-based): chr2:29,328,393, G>C on the plus strand (C>G on the coding strand, the complement: ALK is on the minus strand). VCF-style: chr2-29328393-G-C. GRCh37 (hg19) VCF-style: chr2-29551259-G-C.
Other names: short protein forms F457L.
Identifiers: ClinVar variation 1364995 (VCV001364995.6), dbSNP rs2148258267, ClinGen allele CA346474214.

ClinVar aggregate classification (germline): Uncertain significance (1 of 4 stars; one submission).

Conditions:
Neuroblastoma, susceptibility to, 3. Also called: ALK-Related Neuroblastic Tumor Susceptibility. Identifiers: Orphanet 635, MedGen C2751681, MONDO:0013083, OMIM 613014.

gnomAD v4.1: 5 of 1,614,184 alleles (0.00031%); highest among the groups gnomAD compares: Non-Finnish European, 0.00042%; no homozygotes.

Submission:

Labcorp Genetics (formerly Invitae), Labcorp
Classification: Uncertain significance for Neuroblastoma, susceptibility to, 3. Last evaluated: 2023-07-17. Review status: criteria provided, single submitter. Criteria: Invitae Variant Classification Sherloc (09022015). Collection method: clinical testing. Allele origin: germline.
Comment: In summary, the available evidence is currently insufficient to determine the role of this variant in disease. Therefore, it has been classified as a Variant of Uncertain Significance. An algorithm developed to predict the effect of missense changes on protein structure and function (PolyPhen-2) suggests that this variant is likely to be tolerated. ClinVar contains an entry for this variant (Variation ID: 1364995). This variant has not been reported in the literature in individuals affected with ALK-related conditions. This variant is not present in population databases (gnomAD no frequency). This sequence change replaces phenylalanine, which is neutral and non-polar, with leucine, which is neutral and non-polar, at codon 457 of the ALK protein (p.Phe457Leu).